The following is an entry in ClinVar:

ClinVar aggregate classification (germline): Likely benign. Review status: criteria provided, single submitter (1 of 4 stars). 2 submissions from 2 submitters: Likely benign (1). 1 of the submissions does not count toward it. Last evaluated 2025-10-30.

Conditions:
COL27A1-related disorder. Also called: COL27A1-related condition.

Allele frequency attached by ClinVar (database versions not stated): ExAC 0.00002; gnomAD 0.00003 and 0.00004; gnomAD exomes 0.00004; TOPMed 0.00005.
gnomAD v4.1: 38 of 1,613,262 alleles (0.0024%); highest among the groups gnomAD compares: African/African-American, 0.0067%; no homozygotes.

Submissions (2):

Labcorp Genetics (formerly Invitae), Labcorp
Classification: Likely benign. Last evaluated: 2025-10-30. Review status: criteria provided, single submitter. Criteria: Invitae Variant Classification Sherloc (09022015). Collection method: clinical testing. Allele origin: germline.

PreventionGenetics, part of Exact Sciences
Classification: Likely benign for COL27A1-related condition. Last evaluated: 2019-04-25. Review status: no assertion criteria provided. Collection method: clinical testing. Allele origin: germline. Not counted in ClinVar's aggregate classification.
Comment: This variant is classified as likely benign based on ACMG/AMP sequence variant interpretation guidelines (Richards et al. 2015 PMID: 25741868, with internal and published modifications).

NM_032888.4(COL27A1):c.2482T>C (p.Leu828=)

Gene: COL27A1 (collagen type XXVII alpha 1 chain; plus strand). Cytogenetic location: 9q32.
Variant type: single nucleotide variant.
Coding change: c.2482T>C on transcript NM_032888.4 (MANE Select); coding-DNA position 2482, T replaced by C.
Protein change: p.Leu828=; no amino-acid change (leucine 828 retained).
Molecular consequence: synonymous variant.
Genome position (GRCh38, 1-based): chr9:114,231,094, T>C. VCF-style: chr9-114231094-T-C. GRCh37 (hg19) VCF-style: chr9-116993374-T-C.
Other names: c.2482T>C (NM_032888.3).
Identifiers: ClinVar variation 1150733 (VCV001150733.11), dbSNP rs771526098, ClinGen allele CA5201898.